The following is an entry in ClinVar:

ClinVar aggregate classification (germline): Conflicting classifications of pathogenicity. Review status: criteria provided, conflicting classifications (1 of 4 stars). 3 submissions from 3 submitters: Uncertain significance (2); Likely benign (1). Last evaluated 2025-04-07.

Conditions:
ZNF469-related disorder. Also called: ZNF469-related condition.
Cardiovascular phenotype. Identifiers: MedGen CN230736.

Allele frequency attached by ClinVar (database versions not stated): gnomAD 0.00001.
gnomAD v4.1: 9 of 1,540,618 alleles (0.00058%); highest among the groups gnomAD compares: Admixed American, 0.018%; no homozygotes.

Submissions (3):

PreventionGenetics, part of Exact Sciences
Classification: Uncertain significance for ZNF469-related condition. Last evaluated: 2025-04-07. Review status: criteria provided, single submitter. Criteria: ACMG Guidelines, 2015. Collection method: clinical testing. Allele origin: germline.
Comment: The ZNF469 c.10072G>C variant is predicted to result in the amino acid substitution p.Gly3358Arg. To our knowledge, this variant has not been reported in the literature. This variant is reported in 0.025% of alleles in individuals of Latino descent in gnomAD. At this time, the clinical significance of this variant is uncertain due to the absence of conclusive functional and genetic evidence.

Ambry Genetics
Classification: Likely benign for Cardiovascular phenotype. Last evaluated: 2025-03-25. Review status: criteria provided, single submitter. Criteria: Ambry Variant Classification Scheme 2023. Collection method: clinical testing. Allele origin: germline.

Labcorp Genetics (formerly Invitae), Labcorp
Classification: Uncertain significance. Last evaluated: 2023-12-11. Review status: criteria provided, single submitter. Criteria: Invitae Variant Classification Sherloc (09022015). Collection method: clinical testing. Allele origin: germline.
Comment: This sequence change replaces glycine, which is neutral and non-polar, with arginine, which is basic and polar, at codon 3358 of the ZNF469 protein (p.Gly3358Arg). This variant is present in population databases (no rsID available, gnomAD 0.03%). This variant has not been reported in the literature in individuals affected with ZNF469-related conditions. ClinVar contains an entry for this variant (Variation ID: 1373407). Algorithms developed to predict the effect of missense changes on protein structure and function output the following: SIFT: "Not Available"; PolyPhen-2: "Benign"; Align-GVGD: "Not Available". The arginine amino acid residue is found in multiple mammalian species, which suggests that this missense change does not adversely affect protein function. In summary, the available evidence is currently insufficient to determine the role of this variant in disease. Therefore, it has been classified as a Variant of Uncertain Significance.

NM_001367624.2(ZNF469):c.10156G>C (p.Gly3386Arg)

Gene: ZNF469 (zinc finger protein 469; plus strand). Cytogenetic location: 16q24.2.
Variant type: single nucleotide variant.
Coding change: c.10156G>C on transcript NM_001367624.2 (MANE Select); coding-DNA position 10156, G replaced by C.
Protein change: p.Gly3386Arg; replaces glycine 3386 with arginine.
Molecular consequence: missense variant.
Genome position (GRCh38, 1-based): chr16:88,437,626, G>C. VCF-style: chr16-88437626-G-C. GRCh37 (hg19) VCF-style: chr16-88504034-G-C.
Other names: NM_001127464.1:c.10072G>C; NM_001127464.2:c.10072G>C; short protein forms G3386R.
Identifiers: ClinVar variation 1373407 (VCV001373407.6), dbSNP rs1193577545, ClinGen allele CA397125904.